The following is an entry in ClinVar:

ClinVar aggregate classification (germline): Uncertain significance (1 of 4 stars; one submission).

Conditions:
Malignant hyperthermia, susceptibility to, 1 (MHS1). Also called: Anesthesia related hyperthermia; Malignant hyperpyrexia; Fulminating hyperpyrexia; Pharmacogenic myopathy; RYR1-Related Malignant Hyperthermia Susceptibility; Malignant hyperthermia suceptibility 1. Identifiers: Orphanet 423, MedGen C2930980, MONDO:0007783, OMIM 145600.

Allele frequency attached by ClinVar (database versions not stated): ExAC 0.00002.
gnomAD v4.1: 7 of 1,613,018 alleles (0.00043%); highest among the groups gnomAD compares: East Asian, 0.0022%; no homozygotes.

Submission:

All of Us Research Program, National Institutes of Health
Classification: Uncertain significance for Malignant hyperthermia, susceptibility to, 1. Last evaluated: 2023-06-28. Review status: criteria provided, single submitter. Criteria: ACMG Guidelines, 2015. Collection method: clinical testing. Allele origin: germline. Inheritance: Autosomal dominant inheritance. Observed: 1 variant allele, 1 heterozygote.
Comment: This study involves interpretation of variants in research participants for the purpose of population health screening. Participant phenotype was not available at the time of variant classification. Additional details can be found in publication PMID: 35346344, PMCID: PMC8962531

NM_000540.3(RYR1):c.5459G>A (p.Arg1820His)

Gene: RYR1 (ryanodine receptor 1; plus strand). Cytogenetic location: 19q13.2.
Variant type: single nucleotide variant.
Coding change: c.5459G>A on transcript NM_000540.3 (MANE Select); coding-DNA position 5459, G replaced by A.
Protein change: p.Arg1820His; replaces arginine 1820 with histidine.
Molecular consequence: missense variant.
Genome position (GRCh38, 1-based): chr19:38,486,114, G>A. VCF-style: chr19-38486114-G-A. GRCh37 (hg19) VCF-style: chr19-38976754-G-A.
Other names: c.5459G>A, p.Arg1820His (NM_001042723.2); short protein forms R1820H.
Identifiers: ClinVar variation 3071717 (VCV003071717.1), dbSNP rs750141316, ClinGen allele CA067108.
Genomic context (GRCh38, chr19:38,486,114, plus strand): 5'-CTGCCATCCCGCTGGAGGCCCTGCGGGACAAGGCACTGAGGATGCTGGGGGAGGCGGTGC[G>A]CGACGGTGGGCAGCACGCTCGCGACCCCGTCGGGGGCTCCGTGGAGTTCCAGTTTGTGCC-3'
Protein context (NP_000531.2, residues 1810-1830): KALRMLGEAV[Arg1820His]DGGQHARDPV